The following is an entry in ClinVar:

ClinVar aggregate classification (germline): Uncertain significance. Review status: criteria provided, multiple submitters, no conflicts (2 of 4 stars). 2 submissions from 2 submitters: Uncertain significance (2). Last evaluated 2025-01-13.

Conditions:
Inborn genetic diseases. Identifiers: MedGen C0950123, MeSH D030342.

Allele frequency attached by ClinVar (database versions not stated): ExAC 0.00001; gnomAD exomes 0.00001 and 0.00005; TOPMed 0.00001; gnomAD 0.00003.
gnomAD v4.1: 73 of 1,613,878 alleles (0.0045%); highest among the groups gnomAD compares: Non-Finnish European, 0.0058%; no homozygotes.

Submissions (2):

Labcorp Genetics (formerly Invitae), Labcorp
Classification: Uncertain significance. Last evaluated: 2025-01-13. Review status: criteria provided, single submitter. Criteria: Invitae Variant Classification Sherloc (09022015). Collection method: clinical testing. Allele origin: germline.
Comment: This sequence change replaces alanine, which is neutral and non-polar, with threonine, which is neutral and polar, at codon 5212 of the ADGRV1 protein (p.Ala5212Thr). This variant is present in population databases (rs773353250, gnomAD 0.004%). This variant has not been reported in the literature in individuals affected with ADGRV1-related conditions. ClinVar contains an entry for this variant (Variation ID: 1001924). An algorithm developed to predict the effect of missense changes on protein structure and function outputs the following: PolyPhen-2: "Possibly Damaging". The threonine amino acid residue is found in multiple mammalian species, which suggests that this missense change does not adversely affect protein function. In summary, the available evidence is currently insufficient to determine the role of this variant in disease. Therefore, it has been classified as a Variant of Uncertain Significance.

Ambry Genetics
Classification: Uncertain significance for Inborn genetic diseases. Last evaluated: 2023-08-15. Review status: criteria provided, single submitter. Criteria: Ambry Variant Classification Scheme 2023. Collection method: clinical testing. Allele origin: germline.

NM_032119.4(ADGRV1):c.15634G>A (p.Ala5212Thr)

Gene: ADGRV1 (adhesion G protein-coupled receptor V1; plus strand). Cytogenetic location: 5q14.3.
Variant type: single nucleotide variant.
Coding change: c.15634G>A on transcript NM_032119.4 (MANE Select); coding-DNA position 15634, G replaced by A.
Protein change: p.Ala5212Thr; replaces alanine 5212 with threonine.
Molecular consequence: missense variant. On other transcripts: non-coding transcript variant (1).
Genome position (GRCh38, 1-based): chr5:90,810,894, G>A. VCF-style: chr5-90810894-G-A. GRCh37 (hg19) VCF-style: chr5-90106711-G-A.
Other names: c.15634G>A (NM_032119.3); short protein forms A5212T.
Identifiers: ClinVar variation 1001924 (VCV001001924.8), dbSNP rs773353250, ClinGen allele CA3341955.